The following is an entry in ClinVar:

NM_000051.4(ATM):c.4776+2T>C

Gene: ATM (ATM serine/threonine kinase; plus strand). Cytogenetic location: 11q22.3.
Variant type: single nucleotide variant.
Coding change: c.4776+2T>C on transcript NM_000051.4 (MANE Select); the canonical splice donor site of the intron after coding-DNA position 4776, T replaced by C.
Molecular consequence: splice donor variant.
Genome position (GRCh38, 1-based): chr11:108,293,479, T>C. VCF-style: chr11-108293479-T-C. GRCh37 (hg19) VCF-style: chr11-108164206-T-C.
Other names: Fresno variant; IVS33DS, T-C, +2; c.4776+2T>C (NM_001351834.2).
Identifiers: ClinVar variation 141672 (VCV000141672.73), dbSNP rs587781927, ClinGen allele CA249436.

ClinVar aggregate classification (germline): Pathogenic/Likely pathogenic. Review status: criteria provided, multiple submitters, no conflicts (2 of 4 stars). 13 submissions from 13 submitters: Pathogenic (10); Likely pathogenic (1). 2 of the submissions do not count toward it. Last evaluated 2025-10-09.

Conditions:
Hereditary cancer-predisposing syndrome. Also called: Tumor predisposition; Hereditary neoplastic syndrome; Hereditary Cancer Syndrome; Neoplastic Syndromes, Hereditary. Identifiers: Orphanet 140162, MedGen C0027672, MeSH D009386, MONDO:0015356.
Familial cancer of breast. Also called: Hereditary breast cancer; hereditary breast carcinoma; BREAST CANCER, FAMILIAL. Identifiers: Orphanet 227535, MedGen C0346153, MONDO:0016419, OMIM 114480. Disease mechanism: loss of function.
Ataxia-telangiectasia syndrome (AT). Also called: ATAXIA-TELANGIECTASIA, COMPLEMENTATION GROUP A; ATAXIA-TELANGIECTASIA, FRESNO VARIANT; Ataxia-telangiectasia; Ataxia-telangiectasia, complementation group D; AT, COMPLEMENTATION GROUP C; Ataxia-telangiectasia, complementation group E. Identifiers: Orphanet 100, MedGen C0004135, MONDO:0008840, OMIM 208900.

Allele frequency attached by ClinVar (database versions not stated): gnomAD exomes below 0.00001.
gnomAD v4.1: 1 of 1,607,356 alleles (0.000062%); highest among the groups gnomAD compares: Admixed American, 0.0017%; no homozygotes.

Submissions (13):

Labcorp Genetics (formerly Invitae), Labcorp
Classification: Pathogenic for Ataxia-telangiectasia syndrome. Last evaluated: 2025-10-09. Review status: criteria provided, single submitter. Criteria: Invitae Variant Classification Sherloc (09022015). Collection method: clinical testing. Allele origin: germline.
Comment: This sequence change affects a donor splice site in intron 31 of the ATM gene. RNA analysis indicates that disruption of this splice site induces altered splicing and likely results in a shortened protein product. This variant is present in population databases (rs587781927, gnomAD 0.003%). Disruption of this splice site has been observed in individual(s) with ataxia-telangiectasia (PMID: 9497252, 12815592). In at least one individual the data is consistent with being in trans (on the opposite chromosome) from a pathogenic variant. This variant is also known as IVS33+2T>C. ClinVar contains an entry for this variant (Variation ID: 141672). Algorithms developed to predict the effect of variants on gene product structure and function are not available or were not evaluated for this variant. Experimental studies have shown that disruption of this splice site affects ATM function (PMID: 2491181, 9497252). Studies have shown that disruption of this splice site results in skipping of exon 31, but is expected to preserve the integrity of the reading-frame (PMID: 9497252; internal data). For these reasons, this variant has been classified as Pathogenic.

Natera, Inc.
Classification: Pathogenic for Ataxia-telangiectasia. Last evaluated: 2024-12-24. Review status: criteria provided, single submitter. Criteria: Natera Variant Classification Schema (03/2026). Collection method: clinical testing. Allele origin: germline.
Comment: The c.4776+2T>C variant in ATM is a canonical splice donor site variant predicted to affect pre-mRNA splicing, which may result in an abnormal transcript and altered protein product. This variant may result in a truncated or dysfunctional protein product. This variant is rare in the general population with a frequency below the threshold expected for the associated phenotype(s). This variant has been observed in one or more individuals affected with the associated recessive disease, as either homozygous or compound heterozygous with a second variant (PMID: 9497252, 12815592). Additionally, this variant has been observed to segregate in affected family members (PMID: 9497252). Another variant at this same site results in an alteration predicted to cause a similar molecular effect has been observed in individual(s) with the associated phenotype. Given the available evidence, this variant is classified as Pathogenic.

Color Diagnostics, LLC DBA Color Health
Classification: Pathogenic for Hereditary cancer-predisposing syndrome. Last evaluated: 2024-07-09. Review status: criteria provided, single submitter. Criteria: ACMG Guidelines, 2015. Collection method: clinical testing. Allele origin: germline.
Comment: This variant causes a T to C nucleotide substitution at the +2 position of intron 31 of the ATM gene. Splice site prediction tools predict that this variant may have a significant impact on RNA splicing. RNA studies have shown that this variant leads to the skipping of exon 31, which is expected to result in an in-frame deletion of 55 amino acids (PMID: 9497252, 32756499). Functional studies have shown that the fibroblast cell line derived from a homozygous carrier of this variant exhibits increased radiosensitivity (PMID: 9497252, 2491181). This variant (also known as IVS33+2T>C in the literature) has been reported in the homozygous and compound heterozygous state in individuals affected with ataxia-telangiectasia (PMID: 12815592, 2491181). This variant has also been reported in an individual affected with breast and ovarian cancer (PMID: 32756499). This variant has been identified in 1/249594 chromosomes in the general population by the Genome Aggregation Database (gnomAD). Loss of ATM function is a known mechanism of disease. Based on the available evidence, this variant is classified as Pathogenic.

Myriad Genetics, Inc.
Classification: Likely pathogenic for Familial cancer of breast. Last evaluated: 2024-01-24. Review status: criteria provided, single submitter. Criteria: Myriad Autosomal Dominant, Autosomal Recessive and X-Linked Classification Criteria (2023). Collection method: clinical testing. Allele origin: unknown.
Comment: This variant is considered likely pathogenic. This variant occurs within a consensus splice junction and is predicted to result in abnormal mRNA splicing of either an out-of-frame exon or an in-frame exon necessary for protein stability and/or normal function.

Baylor Genetics
Classification: Pathogenic for Familial cancer of breast. Last evaluated: 2023-03-21. Review status: criteria provided, single submitter. Criteria: ACMG Guidelines, 2015. Collection method: clinical testing. Allele origin: unknown.

Ambry Genetics
Classification: Pathogenic for Hereditary cancer-predisposing syndrome. Last evaluated: 2023-02-07. Review status: criteria provided, single submitter. Criteria: Ambry Variant Classification Scheme 2023. Collection method: clinical testing. Allele origin: germline.
Comment: The c.4776+2T>C intronic pathogenic mutation results from a T to C substitution two nucleotides after coding exon 30 in the ATM gene. This alteration has previously reported in multiple families with ataxia-telangiectasia, and it has been shown to lead to aberrant splicing with no detectable levels of ATM protein production (Mitui M et al. Hum. Mutat. 2003; 22:43-50; Gilad S et al. Am. J. Hum. Genet. 1998; 62:551-61; Teraoka SN et al. Am. J. Hum. Genet. 1999; 64:1617-31). In silico splice site analysis predicts that this alteration will weaken the native splice donor site. RNA studies have demonstrated that this alteration results in abnormal splicing in the set of samples tested (Ambry internal data). Of note, this alteration is also designated as IVS33+2T>C in the published literature. Based on the supporting evidence, this alteration is interpreted as a disease-causing mutation.

GeneDx
Classification: Pathogenic. Last evaluated: 2021-12-27. Review status: criteria provided, single submitter. Criteria: GeneDx Variant Classification Process June 2021. Collection method: clinical testing. Allele origin: germline. Affected: yes.
Comment: Canonical splice site variant resulting in skipping of exon 31 (Velazquez 2020); Reported in the homozygous and compound heterozygous state in individuals with ataxia-telangiectasia (Curry 1989, Gilad 1998, Mitui 2003); Functional studies showed a cell line with this variant in the homozygous state exhibited radiosensitivity consistent with classic ataxia-telangiectasia cell lines (Curry 1989, Gilad 1998); Observed in the heterozygous state in an individual with a personal and family history of ATM-related cancers (Velazquez 2020); Not observed at significant frequency in large population cohorts (Lek et al., 2016); Also known as IVS33+2T>C; This variant is associated with the following publications: (PMID: 21445571, 12815592, 15279807, 10330348, 25525159, 9497252, 31019026, 32756499, 2491181)

CeGaT Center for Human Genetics Tuebingen
Classification: Pathogenic. Last evaluated: 2020-07-01. Review status: criteria provided, single submitter. Criteria: CeGaT Center For Human Genetics Tuebingen Variant Classification Criteria Version 2. Collection method: clinical testing. Allele origin: germline. Affected: yes. Observed: 2 variant alleles.

Women's Health and Genetics/Laboratory Corporation of America, LabCorp
Classification: Pathogenic for Ataxia-telangiectasia syndrome. Last evaluated: 2018-07-24. Review status: criteria provided, single submitter. Criteria: LabCorp Variant Classification Summary - May 2015. Collection method: clinical testing. Allele origin: germline.
Comment: Variant summary: ATM c.4776+2T>C is located in a canonical splice-site and is predicted to affect mRNA splicing resulting in a significantly altered protein due to either exon skipping, shortening, or inclusion of intronic material. Several computational tools predict a significant impact on normal splicing: Three predict the variant abolishes a 5' splicing donor site. However, these predictions have yet to be confirmed by functional studies. The variant allele was found at a frequency of 4.1e-06 in 244642 control chromosomes. c.4776+2T>C has been reported in the literature in at least two individuals affected with Ataxia-Telangiectasia, one of whom is homozygous for the variant with classic A-T with microcephaly and intellectual disability (Gilad_1998). These data indicate that the variant may be associated with disease. Gilad et al. also report experimental evidence suggesting a loss of ATM protein product in the patient's fibroblast cell line, though the data was not presented for review. Two clinical diagnostic laboratories have submitted clinical-significance assessments for this variant to ClinVar after 2014 and both classified the variant as pathogenic. Furthermore, c.4776+2T>A has also been reported to associate with Ataxia-Telangiectasia. Based on the evidence outlined above, the variant was classified as pathogenic.

Mendelics
Classification: Pathogenic for Ataxia-telangiectasia syndrome. Last evaluated: 2018-07-02. Review status: criteria provided, single submitter. Criteria: Mendelics Assertion Criteria 2017. Collection method: clinical testing. Allele origin: unknown.

Rady Children's Institute for Genomic Medicine, Rady Children's Hospital San Diego
Classification: Pathogenic for ATAXIA-TELANGIECTASIA. Last evaluated: 2017-02-17. Review status: criteria provided, single submitter. Criteria: ACMG Guidelines, 2015. Collection method: clinical testing. Allele origin: germline. Affected: yes. Observed: 1 variant allele.
Comment: The c.4776+2T>C canonical splice donor site variant is predicted to cause abnormal gene splicing. This variant, also known as IVS33+2T>C, has been previously reported in the homozygous and compound heterozygous state in individuals with Ataxia-Telangiectasia (AT) (PMID: 9711876). Functional studies showed that this variant led to in-frame skipping of exon 30, previously referred to as exon 32, and a cell line with this variant in the homozygous state exhibited radiosensitivity (PMID: 9497252, 2491181). Based on the combined evidence, this variant is classified as pathogenic.

Counsyl
Classification: Pathogenic for Ataxia-telangiectasia syndrome. Last evaluated: 2017-09-15. Review status: no assertion criteria provided. Collection method: clinical testing. Allele origin: unknown. Not counted in ClinVar's aggregate classification.

OMIM
Classification: Pathogenic for ATAXIA-TELANGIECTASIA, FRESNO VARIANT. Last evaluated: 1998-03-01. Review status: no assertion criteria provided. Collection method: literature only. Allele origin: germline. Not counted in ClinVar's aggregate classification.

Literature cited by the submitters: PubMed 9497252 (cited by 7 submitters); PubMed 12815592 (cited by 6 submitters); PubMed 2491181 (cited by 3 submitters); PubMed 32756499 (cited by Color Diagnostics, LLC DBA Color Health); PubMed 10330348 (cited by Ambry Genetics and Women's Health and Genetics/Laboratory Corporation of America, LabCorp); PubMed 21445571 (cited by Women's Health and Genetics/Laboratory Corporation of America, LabCorp).